The following is an entry in ClinVar:

NM_012233.3(RAB3GAP1):c.411C>T (p.Asp137=)

Gene: RAB3GAP1 (RAB3 GTPase activating protein catalytic subunit 1; plus strand). Cytogenetic location: 2q21.3.
Variant type: single nucleotide variant.
Coding change: c.411C>T on transcript NM_012233.3 (MANE Select); coding-DNA position 411, C replaced by T.
Protein change: p.Asp137=; no amino-acid change (aspartic acid 137 retained).
Molecular consequence: synonymous variant.
Genome position (GRCh38, 1-based): chr2:135,113,199, C>T. VCF-style: chr2-135113199-C-T. GRCh37 (hg19) VCF-style: chr2-135870769-C-T.
Other names: c.411C>T, p.Asp137= (NM_001172435.2).
Identifiers: ClinVar variation 331121 (VCV000331121.50), dbSNP rs140929274, ClinGen allele CA1884526.
Genomic context (GRCh38, chr2:135,113,199, plus strand): 5'-TCTTTTTTTAAGGTATGGGCTACGTGAGTTCGTGGTGATTGCCCCTGCTGCACACAGTGA[C>T]GCTGTTCTCAGCGAATCTAAGTGCAACCTTCTTCTGAGTTCTGTTTCTATTGCCTTGGGA-3'
Protein context (NP_036365.1, residues 127-147): FVVIAPAAHS[Asp137=]AVLSESKCNL

ClinVar aggregate classification (germline): Conflicting classifications of pathogenicity. Review status: criteria provided, conflicting classifications (1 of 4 stars). 9 submissions from 9 submitters: Uncertain significance (1); Benign (2); Likely benign (4). 2 of the submissions do not count toward it. Last evaluated 2026-06-01.

Conditions:
Warburg micro syndrome 1 (WARBM1). Identifiers: Orphanet 2510, MedGen C1838625, MONDO:0010822, OMIM 600118.

Allele frequency attached by ClinVar (database versions not stated): 1000 Genomes Project 30x 0.00016; 1000 Genomes Project 0.00020; gnomAD 0.00045 and 0.00048; ESP Exome Variant Server 0.00046; TOPMed 0.00057; gnomAD exomes 0.00062 and 0.00077; ExAC 0.00090.
gnomAD v4.1: 1,010 of 1,614,056 alleles (0.063%); highest among the groups gnomAD compares: Middle Eastern, 1.6%; 7 homozygotes.

Submissions (9):

CeGaT Center for Human Genetics Tuebingen
Classification: Likely benign. Last evaluated: 2026-06-01. Review status: criteria provided, single submitter. Criteria: CeGaT Center For Human Genetics Tuebingen Variant Classification Criteria Version 2. Collection method: clinical testing. Allele origin: germline. Affected: yes. Observed: 17 variant alleles.
Comment: RAB3GAP1: BP4, BP7

Labcorp Genetics (formerly Invitae), Labcorp
Classification: Benign. Last evaluated: 2025-12-31. Review status: criteria provided, single submitter. Criteria: Invitae Variant Classification Sherloc (09022015). Collection method: clinical testing. Allele origin: germline.

Blueprint Genetics
Classification: Likely benign. Last evaluated: 2024-11-14. Review status: criteria provided, single submitter. Criteria: ACMG Guidelines, 2015. Collection method: clinical testing. Allele origin: germline.

Illumina Laboratory Services, Illumina
Classification: Uncertain significance for Warburg micro syndrome 1. Last evaluated: 2018-01-12. Review status: criteria provided, single submitter. Criteria: ICSL Variant Classification Criteria 13 December 2019. Collection method: clinical testing. Allele origin: germline.

Athena Diagnostics
Classification: Benign. Last evaluated: 2017-12-20. Review status: criteria provided, single submitter. Criteria: Athena Diagnostics Criteria. Collection method: clinical testing. Allele origin: germline.

GeneDx
Classification: Likely benign. Last evaluated: 2017-09-10. Review status: criteria provided, single submitter. Criteria: GeneDx Variant Classification (06012015). Collection method: clinical testing. Allele origin: germline. Affected: yes.
Comment: This variant is considered likely benign or benign based on one or more of the following criteria: it is a conservative change, it occurs at a poorly conserved position in the protein, it is predicted to be benign by multiple in silico algorithms, and/or has population frequency not consistent with disease.

Genetic Services Laboratory, University of Chicago
Classification: Likely benign. Last evaluated: 2016-04-21. Review status: criteria provided, single submitter. Criteria: ACMG Guidelines, 2015. Collection method: clinical testing. Allele origin: germline. Affected: no.

Clinical Genetics DNA and cytogenetics Diagnostics Lab, Erasmus MC, Erasmus Medical Center
Classification: Likely benign. Review status: no assertion criteria provided. Collection method: clinical testing. Allele origin: germline. Affected: yes. Study: VKGL Data-share Consensus. Not counted in ClinVar's aggregate classification.

Joint Genome Diagnostic Labs from Nijmegen and Maastricht, Radboudumc and MUMC+
Classification: Likely benign. Review status: no assertion criteria provided. Collection method: clinical testing. Allele origin: germline. Affected: yes. Study: VKGL Data-share Consensus. Not counted in ClinVar's aggregate classification.